The following is an entry in ClinVar:

NM_021625.5(TRPV4):c.1491+5G>A

Gene: TRPV4 (transient receptor potential cation channel subfamily V member 4; minus strand). Cytogenetic location: 12q24.11.
Variant type: single nucleotide variant.
Coding change: c.1491+5G>A on transcript NM_021625.5 (MANE Select); 5 bases into the intron after coding-DNA position 1491, G replaced by A.
Molecular consequence: intron variant.
Genome position (GRCh38, 1-based): chr12:109,794,324, C>T on the plus strand (G>A on the coding strand, the complement: TRPV4 is on the minus strand). VCF-style: chr12-109794324-C-T. GRCh37 (hg19) VCF-style: chr12-110232129-C-T.
Other names: c.1170+5G>A (NM_001177433.1); c.1350+5G>A (NM_001177428.1); c.1311+5G>A (NM_147204.2); c.1389+5G>A (NM_001177431.1).
Identifiers: ClinVar variation 571913 (VCV000571913.6), dbSNP rs375360273, ClinGen allele CA243463812.

ClinVar aggregate classification (germline): Uncertain significance. Review status: criteria provided, multiple submitters, no conflicts (2 of 4 stars). 3 submissions from 3 submitters: Uncertain significance (3). Last evaluated 2025-04-08.

Conditions:
TRPV4-related disorder. Also called: TRPV4-related disorders; TRPV4-related condition.
Charcot-Marie-Tooth disease axonal type 2C (HMSN2C). Also called: CHARCOT-MARIE-TOOTH DISEASE, AXONAL, AUTOSOMAL DOMINANT, TYPE 2C; Charcot-Marie-Tooth Neuropathy Type 2C; Charcot-Marie-Tooth Disease Type 2, TRPV4-Related (CMT2C). Identifiers: Orphanet 99937, MedGen C1853710, MONDO:0011633, OMIM 606071.

Allele frequency attached by ClinVar (database versions not stated): TOPMed 0.00004.
gnomAD v4.1: 7 of 1,611,666 alleles (0.00043%); highest among the groups gnomAD compares: Non-Finnish European, 0.00059%; no homozygotes.

Submissions (3):

PreventionGenetics, part of Exact Sciences
Classification: Uncertain significance for TRPV4-related condition. Last evaluated: 2025-04-08. Review status: criteria provided, single submitter. Criteria: ACMG Guidelines, 2015. Collection method: clinical testing. Allele origin: germline.
Comment: The TRPV4 c.1491+5G>A variant is predicted to interfere with splicing. This variant is predicted to alter splicing based on available splicing prediction software (SpliceAI, Jaganathan et al. 2019. PubMed ID: 30661751). However, the use of computer prediction softwares is not equivalent to functional evidence. To our knowledge, this variant has not been reported in the literature. This variant is reported in 0.0018% of alleles in individuals of European (Non-Finnish) descent in gnomAD. At this time, the clinical significance of this variant is uncertain due to the absence of conclusive functional and genetic evidence.

Labcorp Genetics (formerly Invitae), Labcorp
Classification: Uncertain significance for Charcot-Marie-Tooth disease axonal type 2C. Last evaluated: 2025-01-29. Review status: criteria provided, single submitter. Criteria: Invitae Variant Classification Sherloc (09022015). Collection method: clinical testing. Allele origin: germline.
Comment: This sequence change falls in intron 8 of the TRPV4 gene. It does not directly change the encoded amino acid sequence of the TRPV4 protein. It affects a nucleotide within the consensus splice site. This variant is present in population databases (no rsID available, gnomAD 0.002%). This variant has not been reported in the literature in individuals affected with TRPV4-related conditions. ClinVar contains an entry for this variant (Variation ID: 571913). Variants that disrupt the consensus splice site are a relatively common cause of aberrant splicing (PMID: 17576681, 9536098). Algorithms developed to predict the effect of sequence changes on RNA splicing suggest that this variant may disrupt the consensus splice site. In summary, the available evidence is currently insufficient to determine the role of this variant in disease. Therefore, it has been classified as a Variant of Uncertain Significance.

Athena Diagnostics
Classification: Uncertain significance. Last evaluated: 2025-01-15. Review status: criteria provided, single submitter. Criteria: Athena Diagnostics Criteria. Collection method: clinical testing. Allele origin: unknown.
Comment: Available data are insufficient to determine the clinical significance of the variant at this time. The frequency of this variant in the general population is uninformative in assessment of its pathogenicity. Computational tools yielded predictions that this variant may interfere with normal RNA splicing.

Literature cited by the submitters: PubMed 17576681 (cited by Labcorp Genetics (formerly Invitae), Labcorp); PubMed 9536098 (cited by Labcorp Genetics (formerly Invitae), Labcorp).